The following is an entry in ClinVar:

ClinVar aggregate classification (germline): Benign. Review status: criteria provided, multiple submitters, no conflicts (2 of 4 stars). 2 submissions from 2 submitters: Benign (2). Last evaluated 2018-06-14.

Allele frequency attached by ClinVar (database versions not stated): gnomAD exomes 0.16512; 1000 Genomes Project 0.17512; 1000 Genomes Project 30x 0.18036; gnomAD 0.19911 and 0.20335; TOPMed 0.20309.
gnomAD v4.1: 268,821 of 1,598,350 alleles (17%); highest among the groups gnomAD compares: African/African-American, 32%; 24,490 homozygotes.

Submissions (2):

GeneDx
Classification: Benign. Last evaluated: 2018-06-14. Review status: criteria provided, single submitter. Criteria: GeneDx Variant Classification (06012015). Collection method: clinical testing. Allele origin: germline. Affected: yes.
Comment: This variant is considered likely benign or benign based on one or more of the following criteria: it is a conservative change, it occurs at a poorly conserved position in the protein, it is predicted to be benign by multiple in silico algorithms, and/or has population frequency not consistent with disease.

Breakthrough Genomics
Classification: Benign. Review status: criteria provided, single submitter. Criteria: ACMG Guidelines, 2015. Collection method: not provided. Allele origin: germline. Inheritance: Autosomal recessive inheritance. Affected: yes.

NM_207346.3(TSEN54):c.1314-155T>C

Gene: TSEN54 (tRNA splicing endonuclease subunit 54; plus strand). Cytogenetic location: 17q25.1.
Variant type: single nucleotide variant.
Coding change: c.1314-155T>C on transcript NM_207346.3 (MANE Select); 155 bases into the intron before coding-DNA position 1314, T replaced by C.
Molecular consequence: intron variant.
Genome position (GRCh38, 1-based): chr17:75,523,508, T>C. VCF-style: chr17-75523508-T-C. GRCh37 (hg19) VCF-style: chr17-73519589-T-C.
Identifiers: ClinVar variation 670806 (VCV000670806.2), dbSNP rs62088469, ClinGen allele CA14495599.